The following is an entry in ClinVar:

NM_033409.4(SLC52A3):c.1037C>G (p.Pro346Arg)

Gene: SLC52A3 (solute carrier family 52 member 3; minus strand). Cytogenetic location: 20p13.
Variant type: single nucleotide variant.
Coding change: c.1037C>G on transcript NM_033409.4 (MANE Select); coding-DNA position 1037, C replaced by G.
Protein change: p.Pro346Arg; replaces proline 346 with arginine.
Molecular consequence: missense variant.
Genome position (GRCh38, 1-based): chr20:763,534, G>C on the plus strand (C>G on the coding strand, the complement: SLC52A3 is on the minus strand). VCF-style: chr20-763534-G-C. GRCh37 (hg19) VCF-style: chr20-744178-G-C.
Other names: c.1037C>G, p.Pro346Arg (NM_001370085.1, NM_001370086.1); short protein forms P346R.
Identifiers: ClinVar variation 1059789 (VCV001059789.9), dbSNP rs2122516090, ClinGen allele CA407962583.

ClinVar aggregate classification (germline): Uncertain significance (1 of 4 stars; one submission).

Conditions:
Brown-Vialetto-van Laere syndrome 1. Also called: BROWN-VIALETTO-VAN LAERE SYNDROME 1, MILD; BULBAR PALSY, PROGRESSIVE, WITH SENSORINEURAL DEAFNESS; PONTOBULBAR PALSY WITH DEAFNESS. Identifiers: Orphanet 572550, Orphanet 97229, MedGen C0796274, MONDO:0024537, OMIM 211530.

Submission:

Labcorp Genetics (formerly Invitae), Labcorp
Classification: Uncertain significance for Brown-Vialetto-van Laere syndrome 1. Last evaluated: 2020-03-09. Review status: criteria provided, single submitter. Criteria: Invitae Variant Classification Sherloc (09022015). Collection method: clinical testing. Allele origin: germline.
Comment: This sequence change replaces proline with arginine at codon 346 of the SLC52A3 protein (p.Pro346Arg). The proline residue is highly conserved and there is a moderate physicochemical difference between proline and arginine. This variant is not present in population databases (ExAC no frequency). This variant has not been reported in the literature in individuals with SLC52A3-related conditions. Algorithms developed to predict the effect of missense changes on protein structure and function (SIFT, PolyPhen-2, Align-GVGD) all suggest that this variant is likely to be disruptive, but these predictions have not been confirmed by published functional studies and their clinical significance is uncertain. In summary, the available evidence is currently insufficient to determine the role of this variant in disease. Therefore, it has been classified as a Variant of Uncertain Significance.